The following is an entry in ClinVar:

NM_001103.4(ACTN2):c.103G>A (p.Ala35Thr)

Gene: ACTN2 (actinin alpha 2; plus strand). Cytogenetic location: 1q43.
Variant type: single nucleotide variant.
Coding change: c.103G>A on transcript NM_001103.4 (MANE Select); coding-DNA position 103, G replaced by A.
Protein change: p.Ala35Thr; replaces alanine 35 with threonine.
Molecular consequence: missense variant. On other transcripts: non-coding transcript variant (1).
Genome position (GRCh38, 1-based): chr1:236,686,776, G>A. VCF-style: chr1-236686776-G-A. GRCh37 (hg19) VCF-style: chr1-236850076-G-A.
Other names: c.103G>A, p.Ala35Thr (NM_001278343.2); c.-719G>A (NM_001278344.2); c.-844G>A (NM_001412150.1); short protein forms A35T.
Identifiers: ClinVar variation 2946553 (VCV002946553.3), dbSNP rs2527438420, ClinGen allele CA345358406.

ClinVar aggregate classification (germline): Uncertain significance (1 of 4 stars; one submission).

Conditions:
Primary familial hypertrophic cardiomyopathy (HCM). Identifiers: Orphanet 99739, MedGen C0949658, MeSH D024741, MONDO:0024573. Inheritance: Various modes of inheritance.
Dilated cardiomyopathy 1AA (CMD1AA). Also called: CARDIOMYOPATHY, DILATED, 1AA, WITH OR WITHOUT LEFT VENTRICULAR NONCOMPACTION; CARDIOMYOPATHY, FAMILIAL HYPERTROPHIC, 23, WITH OR WITHOUT LEFT VENTRICULAR NONCOMPACTION; Cardiomyopathy, dilated, 1AA, with or without LVNC. Identifiers: Orphanet 154, MedGen C2677338, MONDO:0012808, OMIM 612158.

gnomAD v4.1: 1 of 1,529,986 alleles (0.000065%); no homozygotes.

Submission:

Labcorp Genetics (formerly Invitae), Labcorp
Classification: Uncertain significance for Primary familial hypertrophic cardiomyopathy; Dilated cardiomyopathy 1AA. Last evaluated: 2024-06-04. Review status: criteria provided, single submitter. Criteria: Invitae Variant Classification Sherloc (09022015). Collection method: clinical testing. Allele origin: germline.
Comment: This sequence change replaces alanine, which is neutral and non-polar, with threonine, which is neutral and polar, at codon 35 of the ACTN2 protein (p.Ala35Thr). This variant is not present in population databases (gnomAD no frequency). This variant has not been reported in the literature in individuals affected with ACTN2-related conditions. Advanced modeling of protein sequence and biophysical properties (such as structural, functional, and spatial information, amino acid conservation, physicochemical variation, residue mobility, and thermodynamic stability) has been performed at Invitae for this missense variant, however the output from this modeling did not meet the statistical confidence thresholds required to predict the impact of this variant on ACTN2 protein function. In summary, the available evidence is currently insufficient to determine the role of this variant in disease. Therefore, it has been classified as a Variant of Uncertain Significance.